The following is an entry in ClinVar:

ClinVar aggregate classification (germline): Uncertain significance. Review status: criteria provided, single submitter (1 of 4 stars). 2 submissions from 2 submitters: Uncertain significance (1). 1 of the submissions does not count toward it. Last evaluated 2022-06-05.

Conditions:
Deficiency of alpha-mannosidase (MANSA). Also called: LYSOSOMAL ALPHA-D-MANNOSIDASE DEFICIENCY; Alpha-Mannosidosis; Mannosidosis, alpha-, types I and II. Identifiers: Orphanet 61, MedGen C0024748, MONDO:0009561, OMIM 248500.

Allele frequency attached by ClinVar (database versions not stated): gnomAD exomes 0.00001; TOPMed 0.00002; gnomAD 0.00003.
gnomAD v4.1: 10 of 1,549,184 alleles (0.00065%); highest among the groups gnomAD compares: African/African-American, 0.0027%; no homozygotes.

Submissions (2):

Labcorp Genetics (formerly Invitae), Labcorp
Classification: Uncertain significance for Deficiency of alpha-mannosidase. Last evaluated: 2022-06-05. Review status: criteria provided, single submitter. Criteria: Invitae Variant Classification Sherloc (09022015). Collection method: clinical testing. Allele origin: germline.
Comment: This sequence change replaces asparagine, which is neutral and polar, with serine, which is neutral and polar, at codon 880 of the MAN2B1 protein (p.Asn880Ser). The frequency data for this variant in the population databases is considered unreliable, as metrics indicate poor data quality at this position in the gnomAD database. This variant has not been reported in the literature in individuals affected with MAN2B1-related conditions. ClinVar contains an entry for this variant (Variation ID: 849187). Algorithms developed to predict the effect of missense changes on protein structure and function output the following: SIFT: "Tolerated"; PolyPhen-2: "Benign"; Align-GVGD: "Class C0". The serine amino acid residue is found in multiple mammalian species, which suggests that this missense change does not adversely affect protein function. Algorithms developed to predict the effect of sequence changes on RNA splicing suggest that this variant may create or strengthen a splice site. In summary, the available evidence is currently insufficient to determine the role of this variant in disease. Therefore, it has been classified as a Variant of Uncertain Significance.

Natera, Inc.
Classification: Uncertain significance for Alpha-mannosidosis. Last evaluated: 2020-09-16. Review status: no assertion criteria provided. Collection method: clinical testing. Allele origin: germline. Not counted in ClinVar's aggregate classification.

NM_000528.4(MAN2B1):c.2639A>G (p.Asn880Ser)

Gene: MAN2B1 (mannosidase alpha class 2B member 1; minus strand). Cytogenetic location: 19p13.13.
Variant type: single nucleotide variant.
Coding change: c.2639A>G on transcript NM_000528.4 (MANE Select); coding-DNA position 2639, A replaced by G.
Protein change: p.Asn880Ser; replaces asparagine 880 with serine.
Molecular consequence: missense variant.
Genome position (GRCh38, 1-based): chr19:12,648,200, T>C on the plus strand (A>G on the coding strand, the complement: MAN2B1 is on the minus strand). VCF-style: chr19-12648200-T-C. GRCh37 (hg19) VCF-style: chr19-12759014-T-C.
Other names: c.2636A>G, p.Asn879Ser (NM_001173498.2); short protein forms N879S, N880S.
Identifiers: ClinVar variation 849187 (VCV000849187.6), dbSNP rs1466468362, ClinGen allele CA404239468.